The following is an entry in ClinVar:

ClinVar aggregate classification (germline): Uncertain significance. Review status: criteria provided, multiple submitters, no conflicts (2 of 4 stars). 3 submissions from 3 submitters: Uncertain significance (3). Last evaluated 2025-06-14.

Conditions:
Ichthyosis, annular epidermolytic 1. Identifiers: MedGen CN324065, MONDO:0100303, OMIM 607602.
Congenital reticular ichthyosiform erythroderma (IWC). Also called: ICHTHYOSIS WITH CONFETTI. Identifiers: Orphanet 281190, MedGen C3665704, MONDO:0012208, OMIM 609165.
Epidermolytic hyperkeratosis 2A, autosomal dominant (EHK2A). Identifiers: MedGen C5882671, MONDO:0700248, OMIM 620150.
Ichthyosis hystrix gravior. Also called: Ichthyosis histrix, Lambert type. Identifiers: MedGen C0432311, MONDO:0007809, OMIM 146600.
Epidermolytic hyperkeratosis 2B, autosomal recessive (EHK2B). Identifiers: MedGen C5882753, MONDO:0700245, OMIM 620707.

Submissions (3):

Labcorp Genetics (formerly Invitae), Labcorp
Classification: Uncertain significance. Last evaluated: 2025-06-14. Review status: criteria provided, single submitter. Criteria: Invitae Variant Classification Sherloc (09022015). Collection method: clinical testing. Allele origin: germline.
Comment: This variant, c.1650_1667del, results in the deletion of 6 amino acid(s) of the KRT10 protein (p.Ser551_Gly556del), but otherwise preserves the integrity of the reading frame. The frequency data for this variant in the population databases is considered unreliable, as metrics indicate poor data quality at this position in the gnomAD database. This variant has not been reported in the literature in individuals affected with KRT10-related conditions. ClinVar contains an entry for this variant (Variation ID: 1440080). Experimental studies and prediction algorithms are not available or were not evaluated, and the functional significance of this variant is currently unknown. In summary, the available evidence is currently insufficient to determine the role of this variant in disease. Therefore, it has been classified as a Variant of Uncertain Significance.

Breakthrough Genomics
Classification: Uncertain significance. Review status: criteria provided, single submitter. Criteria: ACMG Guidelines, 2015. Collection method: not provided. Allele origin: germline. Inheritance: Autosomal recessive inheritance. Affected: yes.

Juno Genomics, Hangzhou Juno Genomics, Inc
Classification: Uncertain significance for Ichthyosis hystrix gravior; Epidermolytic hyperkeratosis 2A, autosomal dominant; Epidermolytic hyperkeratosis 2B, autosomal recessive; Congenital reticular ichthyosiform erythroderma; Ichthyosis, annular epidermolytic 1. Review status: criteria provided, single submitter. Criteria: ACMG Guidelines, 2015. Collection method: clinical testing. Allele origin: germline.
Comment: Absent from controls (or at extremely low frequency if recessive) in Genome Aggregation Database.;Protein length changes due to in-frame deletions/insertions in a non-repeat region or stop-loss variants.

NM_000421.5(KRT10):c.1650_1667del (p.Ser551_Gly556del)

Gene: KRT10 (keratin 10; minus strand). Cytogenetic location: 17q21.2.
Variant type: Deletion.
Coding change: c.1650_1667del on transcript NM_000421.5 (MANE Select); coding-DNA positions 1650 to 1667, 18 bases deleted (CAGCAGCTCCGGCGGCGG).
Protein change: p.Ser551_Gly556del.
Molecular consequence: inframe deletion.
Genome position (GRCh38, 1-based): chr17:40,818,868-40,818,885, CCGCCGCCGGAGCTGCTG deleted on the plus strand (CAGCAGCTCCGGCGGCGG on the coding strand, the reverse complement: KRT10 is on the minus strand); deleting any 18 consecutive bases within chr17:40,818,868-40,818,901 gives the same sequence; the c. name uses the placement nearest the transcript's 3' end. VCF-style (leftmost placement, unchanged base first): chr17-40818867-TCCGCCGCCGGAGCTGCTG-T. GRCh37 (hg19) VCF-style: chr17-38975119-TCCGCCGCCGGAGCTGCTG-T.
Other names: c.1650_1667del, p.Ser551_Gly556del (NM_001379366.1).
Identifiers: ClinVar variation 1440080 (VCV001440080.9), dbSNP rs766129021, ClinGen allele CA8547905.